The following is an entry in ClinVar:

NM_000426.4(LAMA2):c.2978G>A (p.Gly993Glu)

Gene: LAMA2 (laminin subunit alpha 2; plus strand). Cytogenetic location: 6q22.33.
Variant type: single nucleotide variant.
Coding change: c.2978G>A on transcript NM_000426.4 (MANE Select); coding-DNA position 2978, G replaced by A.
Protein change: p.Gly993Glu; replaces glycine 993 with glutamic acid.
Molecular consequence: missense variant.
Genome position (GRCh38, 1-based): chr6:129,297,806, G>A. VCF-style: chr6-129297806-G-A. GRCh37 (hg19) VCF-style: chr6-129618951-G-A.
Other names: p.Gly993Glu; c.2978G>A, p.Gly993Glu (NM_001079823.2); short protein forms G993E.
Identifiers: ClinVar variation 4541213 (VCV004541213.1).

ClinVar aggregate classification (germline): Uncertain significance (1 of 4 stars; one submission).

Submission:

Mayo Clinic Laboratories, Mayo Clinic
Classification: Uncertain significance. Last evaluated: 2025-01-15. Review status: criteria provided, single submitter. Criteria: ACMG Guidelines, 2015. Collection method: clinical testing. Allele origin: germline. Observed: 1 variant allele.
Comment: PP3, PM2_supporting